The following is an entry in ClinVar:

ClinVar aggregate classification (germline): Uncertain significance. Review status: criteria provided, multiple submitters, no conflicts (2 of 4 stars). 3 submissions from 3 submitters: Uncertain significance (3). Last evaluated 2025-02-18.

Conditions:
Cardiovascular phenotype. Identifiers: MedGen CN230736.
Erythrokeratodermia variabilis et progressiva 6. Identifiers: MedGen C5193144, MONDO:0032801, OMIM 618531.
Progressive familial heart block type IB (PFHB1B). Identifiers: Orphanet 871, MedGen C1970298, MONDO:0011474, OMIM 604559.

Allele frequency attached by ClinVar (database versions not stated): gnomAD 0.00002 and 0.00003; gnomAD exomes 0.00003 and 0.00004; TOPMed 0.00003.
gnomAD v4.1: 40 of 1,573,540 alleles (0.0025%); highest among the groups gnomAD compares: Middle Eastern, 0.017%; no homozygotes.

Submissions (3):

Labcorp Genetics (formerly Invitae), Labcorp
Classification: Uncertain significance for Progressive familial heart block type IB. Last evaluated: 2025-02-18. Review status: criteria provided, single submitter. Criteria: Invitae Variant Classification Sherloc (09022015). Collection method: clinical testing. Allele origin: germline.
Comment: This sequence change replaces arginine, which is basic and polar, with tryptophan, which is neutral and slightly polar, at codon 421 of the TRPM4 protein (p.Arg421Trp). This variant is present in population databases (rs773399498, gnomAD 0.009%). This variant has not been reported in the literature in individuals affected with TRPM4-related conditions. ClinVar contains an entry for this variant (Variation ID: 1054189). An algorithm developed to predict the effect of missense changes on protein structure and function (PolyPhen-2) suggests that this variant is likely to be disruptive. Algorithms developed to predict the effect of sequence changes on RNA splicing suggest that this variant may disrupt the consensus splice site. In summary, the available evidence is currently insufficient to determine the role of this variant in disease. Therefore, it has been classified as a Variant of Uncertain Significance.

Ambry Genetics
Classification: Uncertain significance for Cardiovascular phenotype. Last evaluated: 2024-07-23. Review status: criteria provided, single submitter. Criteria: Ambry Variant Classification Scheme 2023. Collection method: clinical testing. Allele origin: germline.
Comment: The p.R421W variant (also known as c.1261C>T), located in coding exon 10 of the TRPM4 gene, results from a C to T substitution at nucleotide position 1261. The arginine at codon 421 is replaced by tryptophan, an amino acid with dissimilar properties. This amino acid position is not well conserved in available vertebrate species. In addition, this alteration is predicted to be tolerated by in silico analysis. Since supporting evidence is limited at this time, the clinical significance of this alteration remains unclear.

Department of Pathology and Laboratory Medicine, Sinai Health System
Classification: Uncertain significance for Progressive familial heart block type IB; Erythrokeratodermia variabilis et progressiva 6. Last evaluated: 2022-11-15. Review status: criteria provided, single submitter. Criteria: ACMG Guidelines, 2015. Collection method: research. Allele origin: germline.

NM_017636.4(TRPM4):c.1261C>T (p.Arg421Trp)

Gene: TRPM4 (transient receptor potential cation channel subfamily M member 4; plus strand). Cytogenetic location: 19q13.33.
Variant type: single nucleotide variant.
Coding change: c.1261C>T on transcript NM_017636.4 (MANE Select); coding-DNA position 1261, C replaced by T.
Protein change: p.Arg421Trp; replaces arginine 421 with tryptophan.
Molecular consequence: missense variant. On other transcripts: 5 prime UTR variant (1), intron variant (1).
Genome position (GRCh38, 1-based): chr19:49,181,459, C>T. VCF-style: chr19-49181459-C-T. GRCh37 (hg19) VCF-style: chr19-49684716-C-T.
Other names: c.1261C>T, p.Arg421Trp (NM_001195227.2); c.916C>T, p.Arg306Trp (NM_001321281.2); c.-293C>T (NM_001321282.2); c.739C>T, p.Arg247Trp (NM_001321283.2); c.202-1119C>T (NM_001321285.2); short protein forms R247W, R306W, R421W.
Identifiers: ClinVar variation 1054189 (VCV001054189.11), dbSNP rs773399498, ClinGen allele CA9569135.